The following is an entry in ClinVar:

ClinVar aggregate classification (germline): Uncertain significance. Review status: criteria provided, multiple submitters, no conflicts (2 of 4 stars). 2 submissions from 2 submitters: Uncertain significance (2). Last evaluated 2024-05-13.

Allele frequency attached by ClinVar (database versions not stated): gnomAD exomes below 0.00001.
gnomAD v4.1: 1 of 1,612,730 alleles (0.000062%); highest among the groups gnomAD compares: Non-Finnish European, 0.000085%; no homozygotes.

Submissions (2):

Labcorp Genetics (formerly Invitae), Labcorp
Classification: Uncertain significance. Last evaluated: 2024-05-13. Review status: criteria provided, single submitter. Criteria: Invitae Variant Classification Sherloc (09022015). Collection method: clinical testing. Allele origin: germline.
Comment: This sequence change replaces asparagine, which is neutral and polar, with lysine, which is basic and polar, at codon 1117 of the ANKRD26 protein (p.Asn1117Lys). This variant is not present in population databases (gnomAD no frequency). This variant has not been reported in the literature in individuals affected with ANKRD26-related conditions. ClinVar contains an entry for this variant (Variation ID: 2498028). Algorithms developed to predict the effect of missense changes on protein structure and function output the following: SIFT: "Not Available"; PolyPhen-2: "Benign"; Align-GVGD: "Not Available". The lysine amino acid residue is found in multiple mammalian species, which suggests that this missense change does not adversely affect protein function. In summary, the available evidence is currently insufficient to determine the role of this variant in disease. Therefore, it has been classified as a Variant of Uncertain Significance.

GeneDx
Classification: Uncertain significance. Last evaluated: 2022-10-05. Review status: criteria provided, single submitter. Criteria: GeneDx Variant Classification Process June 2021. Collection method: clinical testing. Allele origin: germline. Affected: yes.
Comment: Not observed at significant frequency in large population cohorts (gnomAD); In silico analysis supports that this missense variant does not alter protein structure/function; Has not been previously published as pathogenic or benign to our knowledge

NM_014915.3(ANKRD26):c.3351T>G (p.Asn1117Lys)

Gene: ANKRD26 (ankyrin repeat domain 26; minus strand). Cytogenetic location: 10p12.1.
Variant type: single nucleotide variant.
Coding change: c.3351T>G on transcript NM_014915.3 (MANE Select); coding-DNA position 3351, T replaced by G.
Protein change: p.Asn1117Lys; replaces asparagine 1117 with lysine.
Molecular consequence: missense variant.
Genome position (GRCh38, 1-based): chr10:27,035,099, A>C on the plus strand (T>G on the coding strand, the complement: ANKRD26 is on the minus strand). VCF-style: chr10-27035099-A-C. GRCh37 (hg19) VCF-style: chr10-27324028-A-C.
Other names: c.3348T>G, p.Asn1116Lys (NM_001256053.2); short protein forms N1116K, N1117K.
Identifiers: ClinVar variation 2498028 (VCV002498028.3), dbSNP rs2538758914, ClinGen allele CA376363129.